The following is an entry in ClinVar:

NM_003331.5(TYK2):c.-132T>C

Gene: TYK2 (tyrosine kinase 2; minus strand). Cytogenetic location: 19p13.2.
Variant type: single nucleotide variant.
Coding change: c.-132T>C on transcript NM_003331.5 (MANE Select); 132 bases upstream of the start codon, T replaced by C.
Molecular consequence: 5 prime UTR variant.
Genome position (GRCh38, 1-based): chr19:10,379,726, A>G on the plus strand (T>C on the coding strand, the complement: TYK2 is on the minus strand). VCF-style: chr19-10379726-A-G. GRCh37 (hg19) VCF-style: chr19-10490402-A-G.
Other names: c.-132T>C (LRG_121t1).
Identifiers: ClinVar variation 327965 (VCV000327965.6), dbSNP rs280500, ClinGen allele CA10648166.

ClinVar aggregate classification (germline): Benign. Review status: criteria provided, multiple submitters, no conflicts (2 of 4 stars). 2 submissions from 2 submitters: Benign (2). Last evaluated 2018-01-12.

Conditions:
Immunodeficiency 35 (IMD35). Also called: HIES WITH ATYPICAL MYCOBACTERIOSIS, AUTOSOMAL RECESSIVE; HYPER-IgE SYNDROME WITH ATYPICAL MYCOBACTERIOSIS, AUTOSOMAL RECESSIVE; TYK2 DEFICIENCY; Susceptibility to infection due to TYK2 deficiency. Identifiers: Orphanet 331226, MedGen C1969086, MONDO:0012682, OMIM 611521.

Allele frequency attached by ClinVar (database versions not stated): gnomAD exomes 0.11538; 1000 Genomes Project 0.17871; 1000 Genomes Project 30x 0.17958; TOPMed 0.18962; gnomAD 0.19243 and 0.19516.
gnomAD v4.1: 29,149 of 152,152 alleles (19%); highest among the groups gnomAD compares: African/African-American, 30%; 3,251 homozygotes.

Submissions (2):

Illumina Laboratory Services, Illumina
Classification: Benign for Immunodeficiency 35. Last evaluated: 2018-01-12. Review status: criteria provided, single submitter. Criteria: ICSL Variant Classification Criteria 13 December 2019. Collection method: clinical testing. Allele origin: germline.
Comment: This variant was observed in the ICSL laboratory as part of a predisposition screen in an ostensibly healthy population. It had not been previously curated by ICSL or reported in the Human Gene Mutation Database (HGMD: prior to June 1st, 2018), and was therefore a candidate for classification through an automated scoring system. Utilizing variant allele frequency, disease prevalence and penetrance estimates, and inheritance mode, an automated score was calculated to assess if this variant is too frequent to cause the disease. Based on the score and internal cut-off values, a variant classified as benign is not then subjected to further curation. The score for this variant resulted in a classification of benign for this disease.

Breakthrough Genomics
Classification: Benign. Review status: criteria provided, single submitter. Criteria: ACMG Guidelines, 2015. Collection method: not provided. Allele origin: germline. Inheritance: Autosomal recessive inheritance. Affected: yes.